The following is an entry in ClinVar:

NM_001378452.1(ITPR1):c.8272G>A (p.Ala2758Thr)

Gene: ITPR1 (inositol 1,4,5-trisphosphate receptor type 1; plus strand). Cytogenetic location: 3p26.1.
Variant type: single nucleotide variant.
Coding change: c.8272G>A on transcript NM_001378452.1 (MANE Select); coding-DNA position 8272, G replaced by A.
Protein change: p.Ala2758Thr; replaces alanine 2758 with threonine.
Molecular consequence: missense variant.
Genome position (GRCh38, 1-based): chr3:4,846,220, G>A. VCF-style: chr3-4846220-G-A. GRCh37 (hg19) VCF-style: chr3-4887904-G-A.
Other names: c.8128G>A, p.Ala2710Thr (NM_001099952.4); c.8227G>A, p.Ala2743Thr (NM_001168272.2); c.8083G>A, p.Ala2695Thr (NM_002222.7); short protein forms A2695T, A2710T, A2743T, A2758T.
Identifiers: ClinVar variation 3392768 (VCV003392768.1).

ClinVar aggregate classification (germline): Uncertain significance (1 of 4 stars; one submission).

Submission:

GeneDx
Classification: Uncertain significance. Last evaluated: 2024-06-24. Review status: criteria provided, single submitter. Criteria: GeneDx Variant Classification Process June 2021. Collection method: clinical testing. Allele origin: germline. Affected: yes.
Comment: Not observed at significant frequency in large population cohorts (gnomAD); In silico analysis indicates that this missense variant does not alter protein structure/function; Has not been previously published as pathogenic or benign to our knowledge